The following is an entry in ClinVar:

ClinVar aggregate classification (germline): Uncertain significance. Review status: criteria provided, multiple submitters, no conflicts (2 of 4 stars). 2 submissions from 2 submitters: Uncertain significance (2). Last evaluated 2023-12-05.

Conditions:
Inborn genetic diseases. Identifiers: MedGen C0950123, MeSH D030342.

Allele frequency attached by ClinVar (database versions not stated): gnomAD exomes 0.00001 and 0.00002; ExAC 0.00002.
gnomAD v4.1: 20 of 1,506,724 alleles (0.0013%); highest among the groups gnomAD compares: Non-Finnish European, 0.0018%; no homozygotes.

Submissions (2):

Ambry Genetics
Classification: Uncertain significance for Inborn genetic diseases. Last evaluated: 2023-12-05. Review status: criteria provided, single submitter. Criteria: Ambry Variant Classification Scheme 2023. Collection method: clinical testing. Allele origin: germline.

Labcorp Genetics (formerly Invitae), Labcorp
Classification: Uncertain significance. Last evaluated: 2021-04-10. Review status: criteria provided, single submitter. Criteria: Invitae Variant Classification Sherloc (09022015). Collection method: clinical testing. Allele origin: germline.
Comment: In summary, the available evidence is currently insufficient to determine the role of this variant in disease. Therefore, it has been classified as a Variant of Uncertain Significance. Algorithms developed to predict the effect of missense changes on protein structure and function (SIFT, PolyPhen-2, Align-GVGD) all suggest that this variant is likely to be tolerated, but these predictions have not been confirmed by published functional studies and their clinical significance is uncertain. This variant has not been reported in the literature in individuals with CDT1-related conditions. This variant is present in population databases (rs781585324, ExAC 0.003%). This sequence change replaces arginine with leucine at codon 4 of the CDT1 protein (p.Arg4Leu). The arginine residue is weakly conserved and there is a moderate physicochemical difference between arginine and leucine.

NM_030928.4(CDT1):c.11G>T (p.Arg4Leu)

Gene: CDT1 (chromatin licensing and DNA replication factor 1; plus strand). Cytogenetic location: 16q24.3.
Variant type: single nucleotide variant.
Coding change: c.11G>T on transcript NM_030928.4 (MANE Select); coding-DNA position 11, G replaced by T.
Protein change: p.Arg4Leu; replaces arginine 4 with leucine.
Molecular consequence: missense variant.
Genome position (GRCh38, 1-based): chr16:88,803,842, G>T. VCF-style: chr16-88803842-G-T. GRCh37 (hg19) VCF-style: chr16-88870250-G-T.
Other names: c.11G>T (NM_030928.3); short protein forms R4L.
Identifiers: ClinVar variation 1349320 (VCV001349320.9), dbSNP rs781585324, ClinGen allele CA8233485.